The following is an entry in ClinVar:

ClinVar aggregate classification (germline): Likely benign. Review status: criteria provided, single submitter (1 of 4 stars). 2 submissions from 2 submitters: Likely benign (1). 1 of the submissions does not count toward it. Last evaluated 2024-11-09.

Conditions:
RAI1-related disorder. Also called: RAI1-related condition.

gnomAD v4.1: 1 of 1,611,990 alleles (0.000062%); highest among the groups gnomAD compares: African/African-American, 0.0013%; no homozygotes.

Submissions (2):

Labcorp Genetics (formerly Invitae), Labcorp
Classification: Likely benign. Last evaluated: 2024-11-09. Review status: criteria provided, single submitter. Criteria: Invitae Variant Classification Sherloc (09022015). Collection method: clinical testing. Allele origin: germline.

PreventionGenetics, part of Exact Sciences
Classification: Likely benign for RAI1-related condition. Last evaluated: 2024-01-18. Review status: no assertion criteria provided. Collection method: clinical testing. Allele origin: germline. Not counted in ClinVar's aggregate classification.
Comment: This variant is classified as likely benign based on ACMG/AMP sequence variant interpretation guidelines (Richards et al. 2015 PMID: 25741868, with internal and published modifications).

NM_030665.4(RAI1):c.3891C>A (p.Thr1297=)

Gene: RAI1 (retinoic acid induced 1; plus strand). Cytogenetic location: 17p11.2.
Variant type: single nucleotide variant.
Coding change: c.3891C>A on transcript NM_030665.4 (MANE Select); coding-DNA position 3891, C replaced by A.
Protein change: p.Thr1297=; no amino-acid change (threonine 1297 retained).
Molecular consequence: synonymous variant.
Genome position (GRCh38, 1-based): chr17:17,796,839, C>A. VCF-style: chr17-17796839-C-A. GRCh37 (hg19) VCF-style: chr17-17700153-C-A.
Other names: c.3891C>A (NM_030665.3).
Identifiers: ClinVar variation 2007234 (VCV002007234.5), dbSNP rs1403492343, ClinGen allele CA498424824.